The following is an entry in ClinVar:

NM_002180.3(IGHMBP2):c.1198G>T (p.Asp400Tyr)

Gene: IGHMBP2 (immunoglobulin mu DNA binding protein 2; plus strand). Cytogenetic location: 11q13.3.
Variant type: single nucleotide variant.
Coding change: c.1198G>T on transcript NM_002180.3 (MANE Select); coding-DNA position 1198, G replaced by T.
Protein change: p.Asp400Tyr; replaces aspartic acid 400 with tyrosine.
Molecular consequence: missense variant.
Genome position (GRCh38, 1-based): chr11:68,929,320, G>T. VCF-style: chr11-68929320-G-T. GRCh37 (hg19) VCF-style: chr11-68696788-G-T.
Other names: short protein forms D400Y.
Identifiers: ClinVar variation 4056904 (VCV004056904.2).
Genomic context (GRCh38, chr11:68,929,320, plus strand): 5'-GCCCTCGAGGCGAGCTGCTGGATCCCCCTGCTGAAGGCCAGAAAGTGCATCCTGGCGGGC[G>T]ATCACAAGCAGCTGCCCCCCACCACAGTCTCTCACAAGTAAGACCCCTTTGCCTCACATG-3'
Protein context (NP_002171.2, residues 390-410): LKARKCILAG[Asp400Tyr]HKQLPPTTVS

ClinVar aggregate classification (germline): Likely pathogenic (1 of 4 stars; one submission).

Submission:

GeneDx
Classification: Likely pathogenic. Last evaluated: 2026-10-16. Review status: criteria provided, single submitter. Criteria: GeneDx Variant Classification Process June 2021. Collection method: clinical testing. Allele origin: germline.
Comment: Not observed at significant frequency in large population cohorts (gnomAD); In silico analysis supports that this missense variant has a deleterious effect on protein structure/function; Has not been previously published as pathogenic or benign to our knowledge; This variant is associated with the following publications: (PMID: 25439726, 24388491, 22965130)